The following is an entry in ClinVar:

ClinVar aggregate classification (germline): Uncertain significance. Review status: criteria provided, multiple submitters, no conflicts (2 of 4 stars). 2 submissions from 2 submitters: Uncertain significance (2). Last evaluated 2024-03-08.

Conditions:
Cardiovascular phenotype. Identifiers: MedGen CN230736.

Submissions (2):

Ambry Genetics
Classification: Uncertain significance for Cardiovascular phenotype. Last evaluated: 2024-03-08. Review status: criteria provided, single submitter. Criteria: Ambry Variant Classification Scheme 2023. Collection method: clinical testing. Allele origin: germline.
Comment: The p.L752F variant (also known as c.2254C>T), located in coding exon 13 of the EPHB4 gene, results from a C to T substitution at nucleotide position 2254. The leucine at codon 752 is replaced by phenylalanine, an amino acid with highly similar properties. This amino acid position is conserved. In addition, the in silico prediction for this alteration is inconclusive. Based on the available evidence, the clinical significance of this alteration remains unclear.

Labcorp Genetics (formerly Invitae), Labcorp
Classification: Uncertain significance. Last evaluated: 2023-05-30. Review status: criteria provided, single submitter. Criteria: Invitae Variant Classification Sherloc (09022015). Collection method: clinical testing. Allele origin: germline.
Comment: In summary, the available evidence is currently insufficient to determine the role of this variant in disease. Therefore, it has been classified as a Variant of Uncertain Significance. This variant is not present in population databases (gnomAD no frequency). This sequence change replaces leucine, which is neutral and non-polar, with phenylalanine, which is neutral and non-polar, at codon 752 of the EPHB4 protein (p.Leu752Phe). This variant has not been reported in the literature in individuals affected with EPHB4-related conditions. Advanced modeling of protein sequence and biophysical properties (such as structural, functional, and spatial information, amino acid conservation, physicochemical variation, residue mobility, and thermodynamic stability) performed at Invitae indicates that this missense variant is expected to disrupt EPHB4 protein function.

NM_004444.5(EPHB4):c.2254C>T (p.Leu752Phe)

Gene: EPHB4 (EPH receptor B4; minus strand). Cytogenetic location: 7q22.1.
Variant type: single nucleotide variant.
Coding change: c.2254C>T on transcript NM_004444.5 (MANE Select); coding-DNA position 2254, C replaced by T.
Protein change: p.Leu752Phe; replaces leucine 752 with phenylalanine.
Molecular consequence: missense variant.
Genome position (GRCh38, 1-based): chr7:100,807,445, G>A on the plus strand (C>T on the coding strand, the complement: EPHB4 is on the minus strand). VCF-style: chr7-100807445-G-A. GRCh37 (hg19) VCF-style: chr7-100405067-G-A.
Other names: c.2254C>T (NM_004444.4); short protein forms L752F.
Identifiers: ClinVar variation 2807371 (VCV002807371.4), dbSNP rs2485003510, ClinGen allele CA368568808.